The following is an entry in ClinVar:

ClinVar aggregate classification (germline): Uncertain significance (1 of 4 stars; one submission).

Conditions:
Chuvash polycythemia. Also called: POLYCYTHEMIA, VHL-DEPENDENT. Identifiers: Orphanet 238557, MedGen C1837915, MONDO:0009892, OMIM 263400.
Von Hippel-Lindau syndrome (VHLS). Also called: VHL syndrome; von Hippel–Lindau syndrome; Von Hippel-Lindau. Identifiers: Orphanet 892, MedGen C0019562, MONDO:0008667, OMIM 193300. Disease mechanism: loss of function.

Submission:

Labcorp Genetics (formerly Invitae), Labcorp
Classification: Uncertain significance for Von Hippel-Lindau syndrome; Chuvash polycythemia. Last evaluated: 2024-08-29. Review status: criteria provided, single submitter. Criteria: Invitae Variant Classification Sherloc (09022015). Collection method: clinical testing. Allele origin: germline.
Comment: This sequence change replaces valine, which is neutral and non-polar, with phenylalanine, which is neutral and non-polar, at codon 181 of the VHL protein (p.Val181Phe). This variant is not present in population databases (gnomAD no frequency). This variant has not been reported in the literature in individuals affected with VHL-related conditions. Invitae Evidence Modeling of protein sequence and biophysical properties (such as structural, functional, and spatial information, amino acid conservation, physicochemical variation, residue mobility, and thermodynamic stability) indicates that this missense variant is expected to disrupt VHL protein function with a positive predictive value of 95%. In summary, the available evidence is currently insufficient to determine the role of this variant in disease. Therefore, it has been classified as a Variant of Uncertain Significance.

NM_000551.4(VHL):c.541G>T (p.Val181Phe)

Genes: VHL (von Hippel-Lindau tumor suppressor; plus strand), LOC107303340 (3p25 von Hippel-Lindau tumor suppressor, E3 ubiquitin protein ligase Alu-mediated recombination region; plus strand). Cytogenetic location: 3p25.3.
Variant type: single nucleotide variant.
Coding change: c.541G>T on transcript NM_000551.4 (MANE Select); coding-DNA position 541, G replaced by T.
Protein change: p.Val181Phe; replaces valine 181 with phenylalanine.
Molecular consequence: missense variant. On other transcripts: 3 prime UTR variant (1), non-coding transcript variant (1).
Genome position (GRCh38, 1-based): chr3:10,149,864, G>T. VCF-style: chr3-10149864-G-T. GRCh37 (hg19) VCF-style: chr3-10191548-G-T.
Other names: c.*95G>T (NM_001354723.2); c.418G>T, p.Val140Phe (NM_198156.3); short protein forms V140F, V181F.
Identifiers: ClinVar variation 3753901 (VCV003753901.2).